The following is an entry in ClinVar:

NM_001384140.1(PCDH15):c.2875C>T (p.Pro959Ser)

Gene: PCDH15 (protocadherin related 15; minus strand). Cytogenetic location: 10q21.1.
Variant type: single nucleotide variant.
Coding change: c.2875C>T on transcript NM_001384140.1 (MANE Select); coding-DNA position 2875, C replaced by T.
Protein change: p.Pro959Ser; replaces proline 959 with serine.
Molecular consequence: missense variant.
Genome position (GRCh38, 1-based): chr10:53,961,886, G>A on the plus strand (C>T on the coding strand, the complement: PCDH15 is on the minus strand). VCF-style: chr10-53961886-G-A. GRCh37 (hg19) VCF-style: chr10-55721646-G-A.
Other names: c.2890C>T, p.Pro964Ser (NM_001142763.2, NM_001142771.2); c.2875C>T, p.Pro959Ser (NM_001142764.2, NM_001142766.2, NM_001142770.3 and 4 more transcripts); c.2662C>T, p.Pro888Ser (NM_001142765.2); c.2764C>T, p.Pro922Ser (NM_001142767.2); c.2809C>T, p.Pro937Ser (NM_001142768.2, NM_001142773.2, NM_001354404.2); c.2911C>T, p.Pro971Ser (NM_001142769.4); c.2896C>T, p.Pro966Ser (NM_001354411.2); short protein forms P888S, P922S, P971S, P937S, P959S, P964S, P966S.
Identifiers: ClinVar variation 2186802 (VCV002186802.1), dbSNP rs751778689, ClinGen allele CA5505885.

ClinVar aggregate classification (germline): Uncertain significance (1 of 4 stars; one submission).

Allele frequency attached by ClinVar (database versions not stated): ExAC 0.00001; TOPMed 0.00001.
gnomAD v4.1: 27 of 1,606,936 alleles (0.0017%); highest among the groups gnomAD compares: African/African-American, 0.0027%; no homozygotes.

Submission:

Labcorp Genetics (formerly Invitae), Labcorp
Classification: Uncertain significance. Last evaluated: 2022-08-09. Review status: criteria provided, single submitter. Criteria: Invitae Variant Classification Sherloc (09022015). Collection method: clinical testing. Allele origin: germline.
Comment: This sequence change replaces proline, which is neutral and non-polar, with serine, which is neutral and polar, at codon 959 of the PCDH15 protein (p.Pro959Ser). This variant is present in population databases (rs751778689, gnomAD 0.01%). This variant has not been reported in the literature in individuals affected with PCDH15-related conditions. Algorithms developed to predict the effect of missense changes on protein structure and function are either unavailable or do not agree on the potential impact of this missense change (SIFT: "Deleterious"; PolyPhen-2: "Probably Damaging"; Align-GVGD: "Class C0"). In summary, the available evidence is currently insufficient to determine the role of this variant in disease. Therefore, it has been classified as a Variant of Uncertain Significance.